The following is an entry in ClinVar:

NM_000051.4(ATM):c.4848T>A (p.Asp1616Glu)

Gene: ATM (ATM serine/threonine kinase; plus strand). Cytogenetic location: 11q22.3.
Variant type: single nucleotide variant.
Coding change: c.4848T>A on transcript NM_000051.4 (MANE Select); coding-DNA position 4848, T replaced by A.
Protein change: p.Asp1616Glu; replaces aspartic acid 1616 with glutamic acid.
Molecular consequence: missense variant.
Genome position (GRCh38, 1-based): chr11:108,294,998, T>A. VCF-style: chr11-108294998-T-A. GRCh37 (hg19) VCF-style: chr11-108165725-T-A.
Other names: c.4848T>A, p.Asp1616Glu (NM_001351834.2); short protein forms D1616E.
Identifiers: ClinVar variation 1035838 (VCV001035838.7), dbSNP rs2083040302, ClinGen allele CA382536936.
Genomic context (GRCh38, chr11:108,294,998, plus strand): 5'-TTTTCTCTCAGTAAGTGTTTATGATGCACTTCCATTGACAAGACTTGAAGGACTAAAGGA[T>A]CTTCGAAGACAACTGGAACTACATAAAGATCAGATGGTGGACATTATGAGAGCTTCTCAG-3'
Protein context (NP_000042.3, residues 1606-1626): LPLTRLEGLK[Asp1616Glu]LRRQLELHKD

ClinVar aggregate classification (germline): Uncertain significance (1 of 4 stars; one submission).

Conditions:
Ataxia-telangiectasia syndrome (AT). Also called: Ataxia-telangiectasia, complementation group D; ATAXIA-TELANGIECTASIA, COMPLEMENTATION GROUP A; ATAXIA-TELANGIECTASIA, FRESNO VARIANT; Ataxia-telangiectasia; Ataxia-telangiectasia, complementation group E; LOUIS-BAR SYNDROME. Identifiers: Orphanet 100, MedGen C0004135, MONDO:0008840, OMIM 208900.

Submission:

Labcorp Genetics (formerly Invitae), Labcorp
Classification: Uncertain significance for Ataxia-telangiectasia syndrome. Last evaluated: 2018-01-27. Review status: criteria provided, single submitter. Criteria: Invitae Variant Classification Sherloc (09022015). Collection method: clinical testing. Allele origin: germline.
Comment: This variant has not been reported in the literature in individuals with ATM-related disease. This sequence change replaces aspartic acid with glutamic acid at codon 1616 of the ATM protein (p.Asp1616Glu). The aspartic acid residue is moderately conserved and there is a small physicochemical difference between aspartic acid and glutamic acid. This variant is not present in population databases (ExAC no frequency). Algorithms developed to predict the effect of missense changes on protein structure and function output the following: SIFT: "Tolerated"; PolyPhen-2: "Benign"; Align-GVGD: "Class C0". The glutamic acid amino acid residue is found in multiple mammalian species, suggesting that this missense change does not adversely affect protein function. These predictions have not been confirmed by published functional studies and their clinical significance is uncertain. In summary, the available evidence is currently insufficient to determine the role of this variant in disease. Therefore, it has been classified as a Variant of Uncertain Significance.